The following is an entry in ClinVar:

NM_001122681.2(SH3BP2):c.15G>C (p.Glu5Asp)

Gene: SH3BP2 (SH3 domain binding protein 2; plus strand). Cytogenetic location: 4p16.3.
Variant type: single nucleotide variant.
Coding change: c.15G>C on transcript NM_001122681.2 (MANE Select); coding-DNA position 15, G replaced by C.
Protein change: p.Glu5Asp; replaces glutamic acid 5 with aspartic acid.
Molecular consequence: missense variant.
Genome position (GRCh38, 1-based): chr4:2,820,632, G>C. VCF-style: chr4-2820632-G-C. GRCh37 (hg19) VCF-style: chr4-2822359-G-C.
Other names: c.99G>C, p.Glu33Asp (NM_001145855.2); c.186G>C, p.Glu62Asp (NM_001145856.2); c.15G>C, p.Glu5Asp (NM_003023.4); short protein forms E33D, E62D, E5D.
Identifiers: ClinVar variation 842519 (VCV000842519.8), dbSNP rs370829171, ClinGen allele CA2818882.
Genomic context (GRCh38, chr4:2,820,632, plus strand): 5'-CCTGACCGTAGCTGAGCCACGTGCCTTTGTCCTTTATTGCAGCTTCATGGCGGCTGAAGA[G>C]ATGCATTGGCCTGTCCCTATGAAGGCCATTGGTGCCCAGAACCTGCTAACCATGCCTGGG-3'
Protein context (NP_001116153.1, residues 1-15): MAAE[Glu5Asp]MHWPVPMKAI

ClinVar aggregate classification (germline): Uncertain significance. Review status: criteria provided, multiple submitters, no conflicts (2 of 4 stars). 2 submissions from 2 submitters: Uncertain significance (2). Last evaluated 2025-10-05.

Conditions:
Fibrous dysplasia of jaw (CRBM). Also called: Cherubism. Identifiers: Orphanet 184, MedGen C0008029, MONDO:0007315, OMIM 118400.
Inborn genetic diseases. Identifiers: MedGen C0950123, MeSH D030342.

Allele frequency attached by ClinVar (database versions not stated): ExAC 0.00001; gnomAD exomes 0.00004 and 0.00006; gnomAD 0.00005 and 0.00006; TOPMed 0.00005; ESP Exome Variant Server 0.00008.
gnomAD v4.1: 99 of 1,614,050 alleles (0.0061%); highest among the groups gnomAD compares: Non-Finnish European, 0.0082%; no homozygotes.

Submissions (2):

Labcorp Genetics (formerly Invitae), Labcorp
Classification: Uncertain significance for Fibrous dysplasia of jaw. Last evaluated: 2025-10-05. Review status: criteria provided, single submitter. Criteria: Invitae Variant Classification Sherloc (09022015). Collection method: clinical testing. Allele origin: germline.
Comment: This sequence change replaces glutamic acid, which is acidic and polar, with aspartic acid, which is acidic and polar, at codon 5 of the SH3BP2 protein (p.Glu5Asp). The frequency data for this variant in the population databases is considered unreliable, as metrics indicate poor data quality at this position in the gnomAD database. This variant has not been reported in the literature in individuals affected with SH3BP2-related conditions. ClinVar contains an entry for this variant (Variation ID: 842519). Invitae Evidence Modeling of protein sequence and biophysical properties (such as structural, functional, and spatial information, amino acid conservation, physicochemical variation, residue mobility, and thermodynamic stability) has been performed for this missense variant. However, the output from this modeling did not meet the statistical confidence thresholds required to predict the impact of this variant on SH3BP2 protein function. In summary, the available evidence is currently insufficient to determine the role of this variant in disease. Therefore, it has been classified as a Variant of Uncertain Significance.

Ambry Genetics
Classification: Uncertain significance for Inborn genetic diseases. Last evaluated: 2024-12-10. Review status: criteria provided, single submitter. Criteria: Ambry Variant Classification Scheme 2023. Collection method: clinical testing. Allele origin: germline.